The following is an entry in ClinVar:

NM_002250.3(KCNN4):c.238C>T (p.His80Tyr)

Gene: KCNN4 (potassium calcium-activated channel subfamily N member 4; minus strand). Cytogenetic location: 19q13.31.
Variant type: single nucleotide variant.
Coding change: c.238C>T on transcript NM_002250.3 (MANE Select); coding-DNA position 238, C replaced by T.
Protein change: p.His80Tyr; replaces histidine 80 with tyrosine.
Molecular consequence: missense variant.
Genome position (GRCh38, 1-based): chr19:43,776,558, G>A on the plus strand (C>T on the coding strand, the complement: KCNN4 is on the minus strand). VCF-style: chr19-43776558-G-A. GRCh37 (hg19) VCF-style: chr19-44280710-G-A.
Other names: short protein forms H80Y.
Identifiers: ClinVar variation 2861349 (VCV002861349.3), dbSNP rs2513981153, ClinGen allele CA406204062.
Genomic context (GRCh38, chr19:43,776,558, plus strand): 5'-GGGGGTTGGAGGGAGCAAGGCTTAGGGGCGGGGCCTGCCCTACCTGGACCTCTTTGGCAT[G>A]AAAGGCCACGATGAGGCAGAGGAGTAAGAAGGTGGAAATGCTGATCGTGCATTTAACCAG-3'
Protein context (NP_002241.1, residues 70-90): FLLLCLIVAF[His80Tyr]AKEVQLFMTD

ClinVar aggregate classification (germline): Uncertain significance (1 of 4 stars; one submission).

Submission:

Labcorp Genetics (formerly Invitae), Labcorp
Classification: Uncertain significance. Last evaluated: 2023-05-08. Review status: criteria provided, single submitter. Criteria: Invitae Variant Classification Sherloc (09022015). Collection method: clinical testing. Allele origin: germline.
Comment: In summary, the available evidence is currently insufficient to determine the role of this variant in disease. Therefore, it has been classified as a Variant of Uncertain Significance. Advanced modeling of protein sequence and biophysical properties (such as structural, functional, and spatial information, amino acid conservation, physicochemical variation, residue mobility, and thermodynamic stability) performed at Invitae indicates that this missense variant is not expected to disrupt KCNN4 protein function. This variant has not been reported in the literature in individuals affected with KCNN4-related conditions. This variant is not present in population databases (gnomAD no frequency). This sequence change replaces histidine, which is basic and polar, with tyrosine, which is neutral and polar, at codon 80 of the KCNN4 protein (p.His80Tyr).